The following is an entry in ClinVar:

ClinVar aggregate classification (germline): Uncertain significance (1 of 4 stars; one submission).

Allele frequency attached by ClinVar (database versions not stated): gnomAD exomes below 0.00001; TOPMed below 0.00001; gnomAD 0.00001.

Submission:

CeGaT Center for Human Genetics Tuebingen
Classification: Uncertain significance. Last evaluated: 2022-05-01. Review status: criteria provided, single submitter. Criteria: CeGaT Center For Human Genetics Tuebingen Variant Classification Criteria Version 2. Collection method: clinical testing. Allele origin: germline. Affected: yes. Observed: 1 variant allele.
Comment: TENM4: PM2, PP4, BP4

NM_001098816.3(TENM4):c.4960A>G (p.Met1654Val)

Gene: TENM4 (teneurin transmembrane protein 4; minus strand). Cytogenetic location: 11q14.1.
Variant type: single nucleotide variant.
Coding change: c.4960A>G on transcript NM_001098816.3 (MANE Select); coding-DNA position 4960, A replaced by G.
Protein change: p.Met1654Val; replaces methionine 1654 with valine.
Molecular consequence: missense variant.
Genome position (GRCh38, 1-based): chr11:78,701,653, T>C on the plus strand (A>G on the coding strand, the complement: TENM4 is on the minus strand). VCF-style: chr11-78701653-T-C. GRCh37 (hg19) VCF-style: chr11-78412698-T-C.
Other names: short protein forms M1654V.
Identifiers: ClinVar variation 1694643 (VCV001694643.31), dbSNP rs1480177209, ClinGen allele CA382142583.